The following is an entry in ClinVar:

ClinVar aggregate classification (germline): Uncertain significance. Review status: criteria provided, multiple submitters, no conflicts (2 of 4 stars). 3 submissions from 3 submitters: Uncertain significance (3). Last evaluated 2025-08-26.

Conditions:
Inborn genetic diseases. Identifiers: MedGen C0950123, MeSH D030342.
Hermansky-Pudlak syndrome 10 (HPS10). Identifiers: Orphanet 664511, MedGen C4310746, MONDO:0014885, OMIM 617050.

Allele frequency attached by ClinVar (database versions not stated): ExAC 0.00002; gnomAD 0.00002 and 0.00003; gnomAD exomes 0.00002; TOPMed 0.00006.
gnomAD v4.1: 35 of 1,606,674 alleles (0.0022%); highest among the groups gnomAD compares: Admixed American, 0.015%; no homozygotes.

Submissions (3):

Labcorp Genetics (formerly Invitae), Labcorp
Classification: Uncertain significance. Last evaluated: 2025-08-26. Review status: criteria provided, single submitter. Criteria: Invitae Variant Classification Sherloc (09022015). Collection method: clinical testing. Allele origin: germline.
Comment: This sequence change replaces valine, which is neutral and non-polar, with isoleucine, which is neutral and non-polar, at codon 1050 of the AP3D1 protein (p.Val1050Ile). The frequency data for this variant in the population databases is considered unreliable, as metrics indicate poor data quality at this position in the gnomAD database. This variant has not been reported in the literature in individuals affected with AP3D1-related conditions. ClinVar contains an entry for this variant (Variation ID: 1353985). An algorithm developed to predict the effect of missense changes on protein structure and function outputs the following: PolyPhen-2: "Benign". The isoleucine amino acid residue is found in multiple mammalian species, which suggests that this missense change does not adversely affect protein function. In summary, the available evidence is currently insufficient to determine the role of this variant in disease. Therefore, it has been classified as a Variant of Uncertain Significance.

Ambry Genetics
Classification: Uncertain significance for Inborn genetic diseases. Last evaluated: 2024-09-10. Review status: criteria provided, single submitter. Criteria: Ambry Variant Classification Scheme 2023. Collection method: clinical testing. Allele origin: germline.

Neuberg Centre For Genomic Medicine, NCGM
Classification: Uncertain significance for Hermansky-Pudlak syndrome 10. Review status: criteria provided, single submitter. Criteria: ACMG Guidelines, 2015. Collection method: clinical testing. Allele origin: germline. Inheritance: Autosomal recessive inheritance. Affected: yes.
Comment: The observed missense variant c.3148G>A (p.Val1050Ile) in AP3D1 gene has not been reported previously as a pathogenic variant nor as a benign variant, to our knowledge. The p.Val1050Ile variant has allele frequency 0.002% in gnomAD Exomes. This variant has been submitted to the ClinVar database as Uncertain Significance. The amino acid change p.Val1050Ile in AP3D1 is predicted as conserved by GERP++ and PhyloP across 100 vertebrates. The amino acid Val at position 1050 is changed to a Ile changing protein sequence and it might alter its composition and physico-chemical properties. For these reasons, this variant has been classified as Variant of Uncertain Significance (VUS).

NM_001261826.3(AP3D1):c.3148G>A (p.Val1050Ile)

Gene: AP3D1 (adaptor related protein complex 3 subunit delta 1; minus strand). Cytogenetic location: 19p13.3.
Variant type: single nucleotide variant.
Coding change: c.3148G>A on transcript NM_001261826.3 (MANE Select); coding-DNA position 3148, G replaced by A.
Protein change: p.Val1050Ile; replaces valine 1050 with isoleucine.
Molecular consequence: missense variant.
Genome position (GRCh38, 1-based): chr19:2,110,734, C>T on the plus strand (G>A on the coding strand, the complement: AP3D1 is on the minus strand). VCF-style: chr19-2110734-C-T. GRCh37 (hg19) VCF-style: chr19-2110733-C-T.
Other names: c.2962G>A (NM_003938.5); c.3112G>A, p.Val1038Ile (NM_001374799.1); c.2962G>A, p.Val988Ile (NM_003938.8); short protein forms V1038I, V1050I, V988I.
Identifiers: ClinVar variation 1353985 (VCV001353985.10), dbSNP rs755674952, ClinGen allele CA9058553.
Genomic context (GRCh38, chr19:2,110,734, plus strand): 5'-CCCAGGAGAGGCCGTGAGTGGGGCAGGGCTCACCTGGGGGCAGCTGGAAAGGCACGGGGA[C>T]GCCATCGTGGACGGAGGAGCCCTGCGGCCGGGCCATCCTGGCATTGAGTGAGTCCAGCAC-3'
Protein context (NP_001248755.1, residues 1040-1060): RPQGSSVHDG[Val1050Ile]PVPFQLPPGV